The following is an entry in ClinVar:

NM_002528.7(NTHL1):c.283A>G (p.Arg95Gly)

Gene: NTHL1 (nth like DNA glycosylase 1; minus strand). Cytogenetic location: 16p13.3.
Variant type: single nucleotide variant.
Coding change: c.283A>G on transcript NM_002528.7 (MANE Select); coding-DNA position 283, A replaced by G.
Protein change: p.Arg95Gly; replaces arginine 95 with glycine.
Molecular consequence: missense variant. On other transcripts: intron variant (1).
Genome position (GRCh38, 1-based): chr16:2,046,199, T>C on the plus strand (A>G on the coding strand, the complement: NTHL1 is on the minus strand). VCF-style: chr16-2046199-T-C. GRCh37 (hg19) VCF-style: chr16-2096200-T-C.
Other names: c.283A>G, p.Arg95Gly (NM_001318193.2); c.24+81A>G (NM_001318194.2); short protein forms R95G.
Identifiers: ClinVar variation 1727344 (VCV001727344.3), dbSNP rs2548319729, ClinGen allele CA394295701.

ClinVar aggregate classification (germline): Uncertain significance (1 of 4 stars; one submission).

Conditions:
Hereditary cancer-predisposing syndrome. Also called: Tumor predisposition; Neoplastic Syndromes, Hereditary; Hereditary Cancer Syndrome; Hereditary neoplastic syndrome. Identifiers: Orphanet 140162, MedGen C0027672, MeSH D009386, MONDO:0015356.

Submission:

Ambry Genetics
Classification: Uncertain significance for Hereditary cancer-predisposing syndrome. Last evaluated: 2025-06-13. Review status: criteria provided, single submitter. Criteria: Ambry Variant Classification Scheme 2023. Collection method: clinical testing. Allele origin: germline.
Comment: The p.R103G variant (also known as c.307A>G), located in coding exon 2 of the NTHL1 gene, results from an A to G substitution at nucleotide position 307. The arginine at codon 103 is replaced by glycine, an amino acid with dissimilar properties. This amino acid position is conserved. In addition, this alteration is predicted to be deleterious by in silico analysis. Since supporting evidence is limited at this time, the clinical significance of this alteration remains unclear.